The following is an entry in ClinVar:

NM_001376.5(DYNC1H1):c.8650G>A (p.Val2884Ile)

Gene: DYNC1H1 (dynein cytoplasmic 1 heavy chain 1; plus strand). Cytogenetic location: 14q32.31.
Variant type: single nucleotide variant.
Coding change: c.8650G>A on transcript NM_001376.5 (MANE Select); coding-DNA position 8650, G replaced by A.
Protein change: p.Val2884Ile; replaces valine 2884 with isoleucine.
Molecular consequence: missense variant.
Genome position (GRCh38, 1-based): chr14:102,026,586, G>A. VCF-style: chr14-102026586-G-A. GRCh37 (hg19) VCF-style: chr14-102492923-G-A.
Other names: short protein forms V2884I.
Identifiers: ClinVar variation 1764189 (VCV001764189.2), dbSNP rs2503801408, ClinGen allele CA391008697.

ClinVar aggregate classification (germline): Uncertain significance (1 of 4 stars; one submission).

Conditions:
Inborn genetic diseases. Identifiers: MedGen C0950123, MeSH D030342.

Submission:

Ambry Genetics
Classification: Uncertain significance for Inborn genetic diseases. Last evaluated: 2021-08-30. Review status: criteria provided, single submitter. Criteria: Ambry Variant Classification Scheme 2023. Collection method: clinical testing. Allele origin: germline.
Comment: The p.V2884I variant (also known as c.8650G>A), located in coding exon 44 of the DYNC1H1 gene, results from a G to A substitution at nucleotide position 8650. The valine at codon 2884 is replaced by isoleucine, an amino acid with highly similar properties. This amino acid position is conserved. In addition, this alteration is predicted to be tolerated by in silico analysis. Since supporting evidence is limited at this time, the clinical significance of this alteration remains unclear.